The following is an entry in ClinVar:

ClinVar aggregate classification (germline): Uncertain significance (1 of 4 stars; one submission).

Allele frequency attached by ClinVar (database versions not stated): gnomAD exomes below 0.00001.
gnomAD v4.1: 2 of 1,612,816 alleles (0.00012%); highest among the groups gnomAD compares: Admixed American, 0.0033%; no homozygotes.

Submission:

Labcorp Genetics (formerly Invitae), Labcorp
Classification: Uncertain significance. Last evaluated: 2025-04-16. Review status: criteria provided, single submitter. Criteria: Invitae Variant Classification Sherloc (09022015). Collection method: clinical testing. Allele origin: germline.
Comment: This sequence change replaces leucine, which is neutral and non-polar, with phenylalanine, which is neutral and non-polar, at codon 514 of the TYRP1 protein (p.Leu514Phe). This variant is present in population databases (no rsID available, gnomAD 0.003%). This variant has not been reported in the literature in individuals affected with TYRP1-related conditions. ClinVar contains an entry for this variant (Variation ID: 1442575). Invitae Evidence Modeling of protein sequence and biophysical properties (such as structural, functional, and spatial information, amino acid conservation, physicochemical variation, residue mobility, and thermodynamic stability) indicates that this missense variant is expected to disrupt TYRP1 protein function with a positive predictive value of 80%. In summary, the available evidence is currently insufficient to determine the role of this variant in disease. Therefore, it has been classified as a Variant of Uncertain Significance.

NM_000550.3(TYRP1):c.1540C>T (p.Leu514Phe)

Genes: LURAP1L-AS1 (LURAP1L antisense RNA 1; minus strand), TYRP1 (tyrosinase related protein 1; plus strand). Cytogenetic location: 9p23.
Variant type: single nucleotide variant.
Coding change: c.1540C>T on transcript NM_000550.3 (MANE Select); coding-DNA position 1540, C replaced by T.
Protein change: p.Leu514Phe; replaces leucine 514 with phenylalanine.
Molecular consequence: missense variant.
Genome position (GRCh38, 1-based): chr9:12,709,108, C>T. VCF-style: chr9-12709108-C-T. GRCh37 (hg19) VCF-style: chr9-12709108-C-T.
Other names: short protein forms L514F.
Identifiers: ClinVar variation 1442575 (VCV001442575.6), dbSNP rs1201887950, ClinGen allele CA372932608.